The following is an entry in ClinVar:

NM_183050.4(BCKDHB):c.1095_1096del (p.Pro366fs)

Gene: BCKDHB (branched chain keto acid dehydrogenase E1 subunit beta; plus strand). Cytogenetic location: 6q14.1.
Variant type: Microsatellite.
Coding change: c.1095_1096del on transcript NM_183050.4 (MANE Select); coding-DNA positions 1095 to 1096, 2 bases deleted (AC; older notation c.1095_1096delAC).
Protein change: p.Pro366fs; shifts the reading frame from proline 366.
Molecular consequence: frameshift variant. On other transcripts: 3 prime UTR variant (1), non-coding transcript variant (4), intron variant (2).
Genome position (GRCh38, 1-based): chr6:80,343,720-80,343,721, AC deleted; deleting any 2 consecutive bases within chr6:80,343,716-80,343,721 gives the same sequence; the c. name uses the placement nearest the transcript's 3' end. VCF-style (leftmost placement, unchanged base first): chr6-80343715-GAC-G. GRCh37 (hg19) VCF-style: chr6-81053432-GAC-G.
Other names: c.1095_1096del (NM_183050.3); c.1095_1096del, p.Pro366fs (NM_000056.5, NM_001424036.1); c.885_886del, p.Pro296fs (NM_001318975.1, NM_001424043.1); c.*97AC[2] (NM_001424039.1); c.1038+70495AC[2] (NM_001424037.1); c.1039-10537AC[2] (NM_001424035.1); short protein forms P296fs, P366fs.
Identifiers: ClinVar variation 2680135 (VCV002680135.4), dbSNP rs2483370839, ClinGen allele CA2695198303.

ClinVar aggregate classification (germline): Pathogenic/Likely pathogenic. Review status: criteria provided, multiple submitters, no conflicts (2 of 4 stars). 2 submissions from 2 submitters: Pathogenic (1); Likely pathogenic (1). Last evaluated 2024-01-29.

Conditions:
Maple syrup urine disease (MSUD). Identifiers: Orphanet 511, MedGen C0024776, MeSH D008375, MONDO:0009563. Disease mechanism: loss of function.

Submissions (2):

Labcorp Genetics (formerly Invitae), Labcorp
Classification: Pathogenic for Maple syrup urine disease. Last evaluated: 2024-01-29. Review status: criteria provided, single submitter. Criteria: Invitae Variant Classification Sherloc (09022015). Collection method: clinical testing. Allele origin: germline.
Comment: This sequence change creates a premature translational stop signal (p.Pro366Ilefs*6) in the BCKDHB gene. While this is not anticipated to result in nonsense mediated decay, it is expected to disrupt the last 27 amino acid(s) of the BCKDHB protein. This variant is not present in population databases (gnomAD no frequency). This variant has not been reported in the literature in individuals affected with BCKDHB-related conditions. This variant disrupts a region of the BCKDHB protein in which other variant(s) (p.Arg387*) have been determined to be pathogenic (PMID: 30228974). This suggests that this is a clinically significant region of the protein, and that variants that disrupt it are likely to be disease-causing. For these reasons, this variant has been classified as Pathogenic.

Baylor Genetics
Classification: Likely pathogenic for Maple syrup urine disease type 1A. Last evaluated: 2023-07-19. Review status: criteria provided, single submitter. Criteria: ACMG Guidelines, 2015. Collection method: clinical testing. Allele origin: unknown.

Literature cited by the submitters: PubMed 30228974 (cited by Labcorp Genetics (formerly Invitae), Labcorp).